The following is an entry in ClinVar:

ClinVar aggregate classification (germline): Uncertain significance. Review status: criteria provided, multiple submitters, no conflicts (2 of 4 stars). 2 submissions from 2 submitters: Uncertain significance (2). Last evaluated 2025-07-07.

Conditions:
Cardiovascular phenotype. Identifiers: MedGen CN230736.
Hereditary cancer-predisposing syndrome. Also called: Hereditary neoplastic syndrome; Tumor predisposition; Neoplastic Syndromes, Hereditary; Hereditary Cancer Syndrome. Identifiers: Orphanet 140162, MedGen C0027672, MeSH D009386, MONDO:0015356.
Neurofibromatosis, type 1 (NF1). Also called: Peripheral type neurofibromatosis; Neurofibromatosis, type I; VON RECKLINGHAUSEN DISEASE; NEUROFIBROMATOSIS, TYPE I, SOMATIC. Identifiers: Orphanet 636, MedGen C0027831, MONDO:0018975, OMIM 162200. Disease mechanism: loss of function.

Submissions (2):

Labcorp Genetics (formerly Invitae), Labcorp
Classification: Uncertain significance for Neurofibromatosis, type 1. Last evaluated: 2025-07-07. Review status: criteria provided, single submitter. Criteria: Invitae Variant Classification Sherloc (09022015). Collection method: clinical testing. Allele origin: germline.
Comment: This sequence change replaces phenylalanine, which is neutral and non-polar, with leucine, which is neutral and non-polar, at codon 2629 of the NF1 protein (p.Phe2629Leu). This variant is not present in population databases (gnomAD no frequency). This variant has not been reported in the literature in individuals affected with NF1-related conditions. ClinVar contains an entry for this variant (Variation ID: 2452282). Invitae Evidence Modeling of protein sequence and biophysical properties (such as structural, functional, and spatial information, amino acid conservation, physicochemical variation, residue mobility, and thermodynamic stability) indicates that this missense variant is expected to disrupt NF1 protein function with a positive predictive value of 95%. In summary, the available evidence is currently insufficient to determine the role of this variant in disease. Therefore, it has been classified as a Variant of Uncertain Significance.

Ambry Genetics
Classification: Uncertain significance for Cardiovascular phenotype; Hereditary cancer-predisposing syndrome. Last evaluated: 2023-01-31. Review status: criteria provided, single submitter. Criteria: Ambry Variant Classification Scheme 2023. Collection method: clinical testing. Allele origin: germline.
Comment: The p.F2629L variant (also known as c.7885T>C), located in coding exon 53 of the NF1 gene, results from a T to C substitution at nucleotide position 7885. The phenylalanine at codon 2629 is replaced by leucine, an amino acid with highly similar properties. This amino acid position is highly conserved in available vertebrate species. In addition, the in silico prediction for this alteration is inconclusive. Since supporting evidence is limited at this time, the clinical significance of this alteration remains unclear.

NM_001042492.3(NF1):c.7948T>C (p.Phe2650Leu)

Gene: NF1 (neurofibromin 1; plus strand). Cytogenetic location: 17q11.2.
Variant type: single nucleotide variant.
Coding change: c.7948T>C on transcript NM_001042492.3 (MANE Select); coding-DNA position 7948, T replaced by C.
Protein change: p.Phe2650Leu; replaces phenylalanine 2650 with leucine.
Molecular consequence: missense variant.
Genome position (GRCh38, 1-based): chr17:31,357,347, T>C. VCF-style: chr17-31357347-T-C. GRCh37 (hg19) VCF-style: chr17-29684365-T-C.
Other names: c.7885T>C, p.Phe2629Leu (NM_000267.4); short protein forms F2629L, F2650L.
Identifiers: ClinVar variation 2452282 (VCV002452282.5), dbSNP rs1341554037, ClinGen allele CA399203523.